The following is an entry in ClinVar:

ClinVar aggregate classification (germline): Uncertain significance (1 of 4 stars; one submission).

Submission:

Women's Health and Genetics/Laboratory Corporation of America, LabCorp
Classification: Uncertain significance. Last evaluated: 2025-09-04. Review status: criteria provided, single submitter. Criteria: LabCorp Variant Classification Summary - May 2015. Collection method: clinical testing. Allele origin: germline.
Comment: Variant summary: CHST6 c.149G>T (p.Arg50Leu) results in a non-conservative amino acid change in the encoded protein sequence. Algorithms developed to predict the effect of missense changes on protein structure and function all suggest that this variant is likely to be disruptive. The variant was absent in 247120 control chromosomes (gnomAD). c.149G>T has been observed in individuals affected with Macular Corneal Dystrophy (Warren_2003). These data indicate that the variant may be associated with disease. To our knowledge, no experimental evidence demonstrating an impact on protein function has been reported. The following publications have been ascertained in the context of this evaluation (PMID: 14609920, 19337156). No submitters have cited clinical-significance assessments for this variant to ClinVar. Based on the evidence outlined above, the variant was classified as VUS-possibly pathogenic.

Literature cited by the submitters: PubMed 14609920; PubMed 19337156.

NM_021615.5(CHST6):c.149G>T (p.Arg50Leu)

Gene: CHST6 (carbohydrate sulfotransferase 6; minus strand). Cytogenetic location: 16q23.1.
Variant type: single nucleotide variant.
Coding change: c.149G>T on transcript NM_021615.5 (MANE Select); coding-DNA position 149, G replaced by T.
Protein change: p.Arg50Leu; replaces arginine 50 with leucine.
Molecular consequence: missense variant.
Genome position (GRCh38, 1-based): chr16:75,479,680, C>A on the plus strand (G>T on the coding strand, the complement: CHST6 is on the minus strand). VCF-style: chr16-75479680-C-A. GRCh37 (hg19) VCF-style: chr16-75513578-C-A.
Other names: short protein forms R50L.
Identifiers: ClinVar variation 4535768 (VCV004535768.1).